The following is an entry in ClinVar:

NM_015450.3(POT1):c.1404C>G (p.Asn468Lys)

Gene: POT1 (protection of telomeres 1; minus strand). Cytogenetic location: 7q31.33.
Variant type: single nucleotide variant.
Coding change: c.1404C>G on transcript NM_015450.3 (MANE Select); coding-DNA position 1404, C replaced by G.
Protein change: p.Asn468Lys; replaces asparagine 468 with lysine.
Molecular consequence: missense variant. On other transcripts: non-coding transcript variant (3).
Genome position (GRCh38, 1-based): chr7:124,835,380, G>C on the plus strand (C>G on the coding strand, the complement: POT1 is on the minus strand). VCF-style: chr7-124835380-G-C. GRCh37 (hg19) VCF-style: chr7-124475434-G-C.
Other names: c.1011C>G, p.Asn337Lys (NM_001042594.2); short protein forms N337K, N468K.
Identifiers: ClinVar variation 842495 (VCV000842495.11), dbSNP rs1794874632, ClinGen allele CA369065882.

ClinVar aggregate classification (germline): Uncertain significance. Review status: criteria provided, multiple submitters, no conflicts (2 of 4 stars). 2 submissions from 2 submitters: Uncertain significance (2). Last evaluated 2025-10-29.

Conditions:
Tumor predisposition syndrome 3 (TPDS3). Also called: Glioma susceptibility 9; LONG TELOMERE SYNDROME, POT1-RELATED; POT1 Tumor Predisposition; Melanoma, cutaneous malignant, susceptibility to, 10. Identifiers: Orphanet 618, MedGen C4014476, MONDO:0014368, OMIM 615848.
Hereditary cancer-predisposing syndrome. Also called: Tumor predisposition; Hereditary Cancer Syndrome; Hereditary neoplastic syndrome; Neoplastic Syndromes, Hereditary. Identifiers: Orphanet 140162, MedGen C0027672, MeSH D009386, MONDO:0015356.

Allele frequency attached by ClinVar (database versions not stated): gnomAD exomes below 0.00001.
gnomAD v4.1: 1 of 1,613,638 alleles (0.000062%); highest among the groups gnomAD compares: Non-Finnish European, 0.000085%; no homozygotes.

Submissions (2):

Ambry Genetics
Classification: Uncertain significance for Hereditary cancer-predisposing syndrome. Last evaluated: 2025-10-29. Review status: criteria provided, single submitter. Criteria: Ambry Variant Classification Scheme 2023. Collection method: clinical testing. Allele origin: germline.
Comment: The p.N468K variant (also known as c.1404C>G), located in coding exon 11 of the POT1 gene, results from a C to G substitution at nucleotide position 1404. The asparagine at codon 468 is replaced by lysine, an amino acid with similar properties. This amino acid position is conserved. In addition, this alteration is predicted to be tolerated by in silico analysis. Based on the available evidence, the clinical significance of this variant remains unclear.

Labcorp Genetics (formerly Invitae), Labcorp
Classification: Uncertain significance for Tumor predisposition syndrome 3. Last evaluated: 2019-01-29. Review status: criteria provided, single submitter. Criteria: Invitae Variant Classification Sherloc (09022015). Collection method: clinical testing. Allele origin: germline.
Comment: This variant is not present in population databases (ExAC no frequency). This sequence change replaces asparagine with lysine at codon 468 of the POT1 protein (p.Asn468Lys). The asparagine residue is weakly conserved and there is a moderate physicochemical difference between asparagine and lysine. This variant has not been reported in the literature in individuals with POT1-related conditions. In summary, the available evidence is currently insufficient to determine the role of this variant in disease. Therefore, it has been classified as a Variant of Uncertain Significance. Algorithms developed to predict the effect of missense changes on protein structure and function output the following: SIFT: "Tolerated"; PolyPhen-2: "Benign"; Align-GVGD: "Class C0". The lysine amino acid residue is found in multiple mammalian species, suggesting that this missense change does not adversely affect protein function. These predictions have not been confirmed by published functional studies and their clinical significance is uncertain.